The following is an entry in ClinVar:

ClinVar aggregate classification (germline): Pathogenic (1 of 4 stars; one submission).

Conditions:
Hereditary diffuse gastric adenocarcinoma (HDGC). Also called: DIFFUSE GASTRIC AND LOBULAR BREAST CANCER SYNDROME. Identifiers: Orphanet 26106, MedGen C1708349, MONDO:0007648, OMIM 137215.

Submission:

Myriad Genetics, Inc.
Classification: Pathogenic for Hereditary diffuse gastric adenocarcinoma. Last evaluated: 2023-06-14. Review status: criteria provided, single submitter. Criteria: Myriad Autosomal Dominant, Autosomal Recessive and X-Linked Classification Criteria (2023). Collection method: clinical testing. Allele origin: unknown.
Comment: This variant is considered pathogenic. This variant creates a frameshift predicted to result in premature protein truncation.

NM_004360.5(CDH1):c.1629del (p.Thr544fs)

Gene: CDH1 (cadherin 1; plus strand). Cytogenetic location: 16q22.1.
Variant type: Deletion.
Coding change: c.1629del on transcript NM_004360.5 (MANE Select); coding-DNA position 1629, one base deleted (C; older notation c.1629delC).
Protein change: p.Thr544fs; shifts the reading frame from threonine 544.
Molecular consequence: frameshift variant. On other transcripts: intron variant (1).
Genome position (GRCh38, 1-based): chr16:68,819,343, C deleted; the last of 2 consecutive C bases (chr16:68,819,342-68,819,343); deleting either gives the same sequence. VCF-style (leftmost placement, unchanged base first): chr16-68819341-TC-T. GRCh37 (hg19) VCF-style: chr16-68853244-TC-T.
Other names: c.1446del, p.Thr483fs (NM_001317184.2); c.81del, p.Thr28fs (NM_001317185.2); c.-254-2658del (NM_001317186.2); short protein forms T28fs, T483fs, T544fs.
Identifiers: ClinVar variation 2583358 (VCV002583358.2), dbSNP rs2152136857, ClinGen allele CA2582342525.